The following is an entry in ClinVar:

NC_000022.10:g.(?_32239061)_(32239818_?)del

Gene: DEPDC5 (DEP domain containing 5, GATOR1 subcomplex subunit; plus strand). Cytogenetic location: 22q12.3.
Variant type: Deletion.
Identifiers: ClinVar variation 2423996 (VCV002423996.4).

ClinVar aggregate classification (germline): Pathogenic (1 of 4 stars; one submission).

Conditions:
Familial focal epilepsy with variable foci (FPEVF). Identifiers: Orphanet 98820, MedGen C1858477, MONDO:0020310.

Submission:

Labcorp Genetics (formerly Invitae), Labcorp
Classification: Pathogenic for Familial focal epilepsy with variable foci. Last evaluated: 2022-07-06. Review status: criteria provided, single submitter. Criteria: Invitae Variant Classification Sherloc (09022015). Collection method: clinical testing. Allele origin: germline.
Comment: For these reasons, this variant has been classified as Pathogenic. This variant has not been reported in the literature in individuals affected with DEPDC5-related conditions. This variant is a gross deletion of the genomic region encompassing exon(s) 28-29 of the DEPDC5 gene. This deletion is out-of-frame, and is expected to create a premature termination codon and result in an absent or disrupted protein product. Loss-of-function variants in DEPDC5 are known to be pathogenic (PMID: 23542697, 23542701).

Literature cited by the submitters: PubMed 23542697; PubMed 23542701.